The following is an entry in ClinVar:

ClinVar aggregate classification (germline): Uncertain significance (1 of 4 stars; one submission).

Conditions:
Asphyxiating thoracic dystrophy 3. Also called: POLYDACTYLY WITH NEONATAL CHONDRODYSTROPHY, TYPE I; SHORT-RIB THORACIC DYSPLASIA 3/6 WITH POLYDACTYLY, DIGENIC; SHORT-RIB THORACIC DYSPLASIA 3 WITH OR WITHOUT POLYDACTYLY; Saldino-Noonan Syndrome; Short rib polydactyly syndrome 2B. Identifiers: Orphanet 474, Orphanet 93269, Orphanet 93270, Orphanet 93271, MedGen C0036069, MONDO:0013127, OMIM 613091.

gnomAD v4.1: 1 of 1,532,628 alleles (0.000065%); highest among the groups gnomAD compares: Non-Finnish European, 0.000087%; no homozygotes.

Submission:

Juno Genomics, Hangzhou Juno Genomics, Inc
Classification: Uncertain significance for Asphyxiating thoracic dystrophy 3. Review status: criteria provided, single submitter. Criteria: ACMG Guidelines, 2015. Collection method: clinical testing. Allele origin: germline.
Comment: Absent from controls (or at extremely low frequency if recessive) in Genome Aggregation Database.;Multiple lines of computational evidence support a deleterious effect on the gene or gene product.

NM_001377.3(DYNC2H1):c.3313C>T (p.His1105Tyr)

Gene: DYNC2H1 (dynein cytoplasmic 2 heavy chain 1; plus strand). Cytogenetic location: 11q22.3.
Variant type: single nucleotide variant.
Coding change: c.3313C>T on transcript NM_001377.3 (MANE Select); coding-DNA position 3313, C replaced by T.
Protein change: p.His1105Tyr; replaces histidine 1105 with tyrosine.
Molecular consequence: missense variant.
Genome position (GRCh38, 1-based): chr11:103,154,461, C>T. VCF-style: chr11-103154461-C-T. GRCh37 (hg19) VCF-style: chr11-103025190-C-T.
Other names: c.3313C>T, p.His1105Tyr (NM_001080463.2); short protein forms H1105Y.
Identifiers: ClinVar variation 5038013 (VCV005038013.2).
Genomic context (GRCh38, chr11:103,154,461, plus strand): 5'-ATCAATATTTCTGTTTTTAAAATTTAATATTTCAATATTTGTTTCTATAGTGATGATTGC[C>T]ATCATTTTAGACTGGAAGAGCCTAATTTCTCCCTGGCAAGTAGTATCTCTAAAGATATCG-3'
Protein context (NP_001368.2, residues 1095-1115): VTRKKLVDDC[His1105Tyr]HFRLEEPNFS